The following is an entry in ClinVar:

ClinVar aggregate classification (germline): Likely benign (1 of 4 stars; one submission).

Allele frequency attached by ClinVar (database versions not stated): ExAC 0.00001; gnomAD exomes 0.00001; gnomAD 0.00005; TOPMed 0.00005.
gnomAD v4.1: 22 of 1,209,518 alleles (0.0018%); highest among the groups gnomAD compares: African/African-American, 0.014%; no homozygotes.

Submission:

CeGaT Center for Human Genetics Tuebingen
Classification: Likely benign. Last evaluated: 2023-04-01. Review status: criteria provided, single submitter. Criteria: CeGaT Center For Human Genetics Tuebingen Variant Classification Criteria Version 2. Collection method: clinical testing. Allele origin: germline. Affected: yes. Observed: 1 variant allele.
Comment: ARAF: BP4, BP7, BS2

NM_001654.5(ARAF):c.855C>T (p.Ala285=)

Gene: ARAF (A-Raf proto-oncogene, serine/threonine kinase; plus strand). Cytogenetic location: Xp11.3.
Variant type: single nucleotide variant.
Coding change: c.855C>T on transcript NM_001654.5 (MANE Select); coding-DNA position 855, C replaced by T.
Protein change: p.Ala285=; no amino-acid change (alanine 285 retained).
Molecular consequence: synonymous variant.
Genome position (GRCh38, 1-based): chrX:47,567,113, C>T. VCF-style: chrX-47567113-C-T. GRCh37 (hg19) VCF-style: chrX-47426512-C-T.
Other names: c.864C>T, p.Ala288= (NM_001256196.2).
Identifiers: ClinVar variation 2660427 (VCV002660427.24), dbSNP rs777457066, ClinGen allele CA10398119.